The following is an entry in ClinVar:

ClinVar aggregate classification (germline): Likely benign (1 of 4 stars; one submission).

Submission:

CeGaT Center for Human Genetics Tuebingen
Classification: Likely benign. Last evaluated: 2026-01-01. Review status: criteria provided, single submitter. Criteria: CeGaT Center For Human Genetics Tuebingen Variant Classification Criteria Version 2. Collection method: clinical testing. Allele origin: germline. Affected: yes. Observed: 1 variant allele.
Comment: PDIA2: BP4, BS2

NM_006849.4(PDIA2):c.347A>G (p.Glu116Gly)

Gene: PDIA2 (protein disulfide isomerase family A member 2; plus strand). Cytogenetic location: 16p13.3.
Variant type: single nucleotide variant.
Coding change: c.347A>G on transcript NM_006849.4 (MANE Select); coding-DNA position 347, A replaced by G.
Protein change: p.Glu116Gly; replaces glutamic acid 116 with glycine.
Molecular consequence: missense variant.
Genome position (GRCh38, 1-based): chr16:284,534, A>G. VCF-style: chr16-284534-A-G. GRCh37 (hg19) VCF-style: chr16-334534-A-G.
Other names: short protein forms E116G.
Identifiers: ClinVar variation 4820823 (VCV004820823.4).
Genomic context (GRCh38, chr16:284,534, plus strand): 5'-CGCTGGCCAAGGTGGATGGGCCCGCGCAGCGCGAGCTGGCTGAGGAGTTTGGTGTGACGG[A>G]GTACCCTACGCTCAAGTTCTTCCGCAATGGGAACCGCACGCACCCGGAGGAGTACACAGG-3'
Protein context (NP_006840.2, residues 106-126): RELAEEFGVT[Glu116Gly]YPTLKFFRNG